The following is an entry in ClinVar:

NM_016194.4(GNB5):c.773G>A (p.Gly258Glu)

Gene: GNB5 (G protein subunit beta 5; minus strand). Cytogenetic location: 15q21.2.
Variant type: single nucleotide variant.
Coding change: c.773G>A on transcript NM_016194.4 (MANE Select); coding-DNA position 773, G replaced by A.
Protein change: p.Gly258Glu; replaces glycine 258 with glutamic acid.
Molecular consequence: missense variant.
Genome position (GRCh38, 1-based): chr15:52,133,468, C>T on the plus strand (G>A on the coding strand, the complement: GNB5 is on the minus strand). VCF-style: chr15-52133468-C-T. GRCh37 (hg19) VCF-style: chr15-52425665-C-T.
Other names: c.491G>A, p.Gly164Glu (NM_001379343.1); c.647G>A, p.Gly216Glu (NM_006578.4); short protein forms G216E, G258E, G164E.
Identifiers: ClinVar variation 4795684 (VCV004795684.1).

ClinVar aggregate classification (germline): Uncertain significance (1 of 4 stars; one submission).

Submission:

GeneDx
Classification: Uncertain significance. Last evaluated: 2025-08-12. Review status: criteria provided, single submitter. Criteria: GeneDx Variant Classification Process June 2021. Collection method: clinical testing. Allele origin: germline. Affected: yes.
Comment: Not observed at significant frequency in large population cohorts (gnomAD); In silico analysis supports that this missense variant has a deleterious effect on protein structure/function; Has not been previously published as pathogenic or benign to our knowledge